The following is an entry in ClinVar:

NM_000218.3(KCNQ1):c.1630C>A (p.Gln544Lys)

Gene: KCNQ1 (potassium voltage-gated channel subfamily Q member 1; plus strand). Cytogenetic location: 11p15.5.
Variant type: single nucleotide variant.
Coding change: c.1630C>A on transcript NM_000218.3 (MANE Select); coding-DNA position 1630, C replaced by A.
Protein change: p.Gln544Lys; replaces glutamine 544 with lysine.
Molecular consequence: missense variant.
Genome position (GRCh38, 1-based): chr11:2,775,999, C>A. VCF-style: chr11-2775999-C-A. GRCh37 (hg19) VCF-style: chr11-2797229-C-A.
Other names: c.1534C>A, p.Gln512Lys (NM_001406836.1); c.1360C>A, p.Gln454Lys (NM_001406837.1); c.1090C>A, p.Gln364Lys (NM_001406838.1); c.1249C>A, p.Gln417Lys (NM_181798.2); short protein forms Q364K, Q417K, Q454K, Q512K, Q544K.
Identifiers: ClinVar variation 1705014 (VCV001705014.2), dbSNP rs1258010655, ClinGen allele CA379139139.
Genomic context (GRCh38, chr11:2,775,999, plus strand): 5'-GCGTGTCTTTTTGTCCCGCAGCAAGCGCGGAAGCCTTACGATGTGCGGGACGTCATTGAG[C>A]AGTACTCGCAGGGCCACCTCAACCTCATGGTGCGCATCAAGGAGCTGCAGAGGAGGTGGG-3'
Protein context (NP_000209.2, residues 534-554): KPYDVRDVIE[Gln544Lys]YSQGHLNLMV

ClinVar aggregate classification (germline): Uncertain significance (1 of 4 stars; one submission).

Submission:

GeneDx
Classification: Uncertain significance. Last evaluated: 2022-03-09. Review status: criteria provided, single submitter. Criteria: GeneDx Variant Classification Process June 2021. Collection method: clinical testing. Allele origin: germline. Affected: yes.
Comment: Has not been previously published as pathogenic or benign to our knowledge; Not observed at significant frequency in large population cohorts (gnomAD); In silico analysis supports that this missense variant has a deleterious effect on protein structure/function